The following is an entry in ClinVar:

ClinVar aggregate classification (germline): Uncertain significance (1 of 4 stars; one submission).

Allele frequency attached by ClinVar (database versions not stated): gnomAD exomes below 0.00001.

Submission:

Labcorp Genetics (formerly Invitae), Labcorp
Classification: Uncertain significance. Last evaluated: 2022-02-04. Review status: criteria provided, single submitter. Criteria: Invitae Variant Classification Sherloc (09022015). Collection method: clinical testing. Allele origin: germline.
Comment: In summary, the available evidence is currently insufficient to determine the role of this variant in disease. Therefore, it has been classified as a Variant of Uncertain Significance. Algorithms developed to predict the effect of missense changes on protein structure and function are either unavailable or do not agree on the potential impact of this missense change (SIFT: "Deleterious"; PolyPhen-2: "Benign"; Align-GVGD: "Class C0"). This variant has not been reported in the literature in individuals affected with TUBA8-related conditions. This variant is not present in population databases (gnomAD no frequency). This sequence change replaces phenylalanine, which is neutral and non-polar, with leucine, which is neutral and non-polar, at codon 24 of the TUBA8 protein (p.Phe24Leu).

NM_018943.3(TUBA8):c.70T>C (p.Phe24Leu)

Gene: TUBA8 (tubulin alpha 8; plus strand). Cytogenetic location: 22q11.21.
Variant type: single nucleotide variant.
Coding change: c.70T>C on transcript NM_018943.3 (MANE Select); coding-DNA position 70, T replaced by C.
Protein change: p.Phe24Leu; replaces phenylalanine 24 with leucine.
Molecular consequence: missense variant. On other transcripts: 5 prime UTR variant (1).
Genome position (GRCh38, 1-based): chr22:18,121,545, T>C. VCF-style: chr22-18121545-T-C. GRCh37 (hg19) VCF-style: chr22-18604312-T-C.
Other names: c.-129T>C (NM_001193414.2); short protein forms F24L.
Identifiers: ClinVar variation 2092773 (VCV002092773.4), dbSNP rs2517703105, ClinGen allele CA410261421.